The following is an entry in ClinVar:

Conditions:
Long QT syndrome 5 (LQT5). Identifiers: Orphanet 101016, Orphanet 768, MedGen C1867904, MONDO:0013372, OMIM 613695.

Submission:

Roden Lab, Vanderbilt University Medical Center
No classification provided (evidence only). Condition: Long QT syndrome 5. Review status: no classification provided. Collection method: in vitro. Allele origin: not applicable. Functional consequence: Effect on ion channel function.
ClinVar note: "not provided" was previously submitted as the classification for the variant. However, the classification appeared to be based only on an observation of functional data so it was converted to no classification on 2025-07-30.

NM_000219.6(KCNE1):c.317G>C (p.Cys106Ser)

Gene: KCNE1 (potassium voltage-gated channel subfamily E regulatory subunit 1; minus strand). Cytogenetic location: 21q22.12.
Variant type: single nucleotide variant.
Coding change: c.317G>C on transcript NM_000219.6 (MANE Select); coding-DNA position 317, G replaced by C.
Protein change: p.Cys106Ser; replaces cysteine 106 with serine.
Molecular consequence: missense variant.
Genome position (GRCh38, 1-based): chr21:34,449,318, C>G on the plus strand (G>C on the coding strand, the complement: KCNE1 is on the minus strand). VCF-style: chr21-34449318-C-G. GRCh37 (hg19) VCF-style: chr21-35821616-C-G.
Other names: c.317G>C, p.Cys106Ser (NM_001127668.4, NM_001127669.4, NM_001127670.4 and 4 more transcripts); short protein forms C106S.
Identifiers: ClinVar variation 3374620 (VCV003374620.2).